The following is an entry in ClinVar:

NM_006517.5(SLC16A2):c.506G>T (p.Gly169Val)

Gene: SLC16A2 (solute carrier family 16 member 2; plus strand). Cytogenetic location: Xq13.2.
Variant type: single nucleotide variant.
Coding change: c.506G>T on transcript NM_006517.5 (MANE Select); coding-DNA position 506, G replaced by T.
Protein change: p.Gly169Val; replaces glycine 169 with valine.
Molecular consequence: missense variant.
Genome position (GRCh38, 1-based): chrX:74,521,065, G>T. VCF-style: chrX-74521065-G-T. GRCh37 (hg19) VCF-style: chrX-73740900-G-T.
Other names: short protein forms G169V.
Identifiers: ClinVar variation 2858885 (VCV002858885.3), dbSNP rs2519804959, ClinGen allele CA413656675.
Genomic context (GRCh38, chrX:74,521,065, plus strand): 5'-TCGCGATGGGTATGATCTTCTTCTGTTCTCCCATTGTGAGTATATTCACTGACCGTTTGG[G>T]CTGCCGAATCACAGCAACCGCGGGGGCTGCCGTTGCTTTCATTGGCCTCCATACCAGCTC-3'
Protein context (NP_006508.2, residues 159-179): PIVSIFTDRL[Gly169Val]CRITATAGAA

ClinVar aggregate classification (germline): Uncertain significance (1 of 4 stars; one submission).

Conditions:
Spastic paraplegia. Identifiers: MedGen C0037772, HP:0001258.

Submission:

Labcorp Genetics (formerly Invitae), Labcorp
Classification: Uncertain significance for Spastic paraplegia. Last evaluated: 2023-04-24. Review status: criteria provided, single submitter. Criteria: Invitae Variant Classification Sherloc (09022015). Collection method: clinical testing. Allele origin: germline.
Comment: Advanced modeling of protein sequence and biophysical properties (such as structural, functional, and spatial information, amino acid conservation, physicochemical variation, residue mobility, and thermodynamic stability) performed at Invitae indicates that this missense variant is expected to disrupt SLC16A2 protein function. In summary, the available evidence is currently insufficient to determine the role of this variant in disease. Therefore, it has been classified as a Variant of Uncertain Significance. This variant has not been reported in the literature in individuals affected with SLC16A2-related conditions. This variant is not present in population databases (gnomAD no frequency). This sequence change replaces glycine, which is neutral and non-polar, with valine, which is neutral and non-polar, at codon 169 of the SLC16A2 protein (p.Gly169Val).